The following is an entry in ClinVar:

NM_024577.4(SH3TC2):c.439A>G (p.Asn147Asp)

Gene: SH3TC2 (SH3 domain and tetratricopeptide repeats 2; minus strand). Cytogenetic location: 5q32.
Variant type: single nucleotide variant.
Coding change: c.439A>G on transcript NM_024577.4 (MANE Select); coding-DNA position 439, A replaced by G.
Protein change: p.Asn147Asp; replaces asparagine 147 with aspartic acid.
Molecular consequence: missense variant.
Genome position (GRCh38, 1-based): chr5:149,042,784, T>C on the plus strand (A>G on the coding strand, the complement: SH3TC2 is on the minus strand). VCF-style: chr5-149042784-T-C. GRCh37 (hg19) VCF-style: chr5-148422347-T-C.
Other names: short protein forms N147D.
Identifiers: ClinVar variation 1003575 (VCV001003575.8), dbSNP rs1423301895, ClinGen allele CA361675940.
Genomic context (GRCh38, chr5:149,042,784, plus strand): 5'-TTTCCAGGTGTTTATCATCTACAGACACTTGGATCTCTGTATCCTCCACCAATATGCAGT[T>C]GAGCCAGTACTTGTGGTCAAAGAGGAGATGTTCTAGACACATGGATACGTAGCCTAAGAA-3'
Protein context (NP_078853.2, residues 137-157): HLLFDHKYWL[Asn147Asp]CILVEDTEIQ

ClinVar aggregate classification (germline): Uncertain significance (1 of 4 stars; one submission).

Conditions:
Charcot-Marie-Tooth disease type 4. Also called: Charcot-Marie-Tooth, Type 4; Charcot-Marie-Tooth disease, type IV. Identifiers: Orphanet 64749, MedGen C4082197, MONDO:0018995.

Allele frequency attached by ClinVar (database versions not stated): gnomAD exomes below 0.00001.
gnomAD v4.1: 1 of 1,614,182 alleles (0.000062%); highest among the groups gnomAD compares: Admixed American, 0.0017%; no homozygotes.

Submission:

Labcorp Genetics (formerly Invitae), Labcorp
Classification: Uncertain significance for Charcot-Marie-Tooth disease type 4. Last evaluated: 2020-12-20. Review status: criteria provided, single submitter. Criteria: Invitae Variant Classification Sherloc (09022015). Collection method: clinical testing. Allele origin: germline.
Comment: In summary, the available evidence is currently insufficient to determine the role of this variant in disease. Therefore, it has been classified as a Variant of Uncertain Significance. Algorithms developed to predict the effect of missense changes on protein structure and function (SIFT, PolyPhen-2, Align-GVGD) all suggest that this variant is likely to be tolerated, but these predictions have not been confirmed by published functional studies and their clinical significance is uncertain. This variant has not been reported in the literature in individuals with SH3TC2-related disease. This variant is not present in population databases (ExAC no frequency). This sequence change replaces asparagine with aspartic acid at codon 147 of the SH3TC2 protein (p.Asn147Asp). The asparagine residue is highly conserved and there is a small physicochemical difference between asparagine and aspartic acid.